The following is an entry in ClinVar:

ClinVar aggregate classification (germline): Uncertain significance (1 of 4 stars; one submission).

Conditions:
Methylcobalamin deficiency type cblE (HMAE). Also called: HOMOCYSTINURIA-MEGALOBLASTIC ANEMIA, cblE TYPE; VITAMIN B12-RESPONSIVE HOMOCYSTINURIA, cblE TYPE; HOMOCYSTINURIA-MEGALOBLASTIC ANEMIA, cblE COMPLEMENTATION TYPE. Identifiers: Orphanet 2169, Orphanet 622, MedGen C1856057, MONDO:0009354, OMIM 236270.

gnomAD v4.1: 1 of 1,613,954 alleles (0.000062%); highest among the groups gnomAD compares: Admixed American, 0.0017%; no homozygotes.

Submission:

Labcorp Genetics (formerly Invitae), Labcorp
Classification: Uncertain significance for Methylcobalamin deficiency type cblE. Last evaluated: 2022-10-24. Review status: criteria provided, single submitter. Criteria: Invitae Variant Classification Sherloc (09022015). Collection method: clinical testing. Allele origin: germline.
Comment: In summary, the available evidence is currently insufficient to determine the role of this variant in disease. Therefore, it has been classified as a Variant of Uncertain Significance. Advanced modeling of protein sequence and biophysical properties (such as structural, functional, and spatial information, amino acid conservation, physicochemical variation, residue mobility, and thermodynamic stability) performed at Invitae indicates that this missense variant is not expected to disrupt MTRR protein function. This variant has not been reported in the literature in individuals affected with MTRR-related conditions. This variant is present in population databases (no rsID available, gnomAD 0.1%). This sequence change replaces asparagine, which is neutral and polar, with serine, which is neutral and polar, at codon 528 of the MTRR protein (p.Asn528Ser).

NM_002454.3(MTRR):c.1583A>G (p.Asn528Ser)

Gene: MTRR (5-methyltetrahydrofolate-homocysteine methyltransferase reductase; plus strand). Cytogenetic location: 5p15.31.
Variant type: single nucleotide variant.
Coding change: c.1583A>G on transcript NM_002454.3 (MANE Select); coding-DNA position 1583, A replaced by G.
Protein change: p.Asn528Ser; replaces asparagine 528 with serine.
Molecular consequence: missense variant. On other transcripts: non-coding transcript variant (14).
Genome position (GRCh38, 1-based): chr5:7,895,759, A>G. VCF-style: chr5-7895759-A-G. GRCh37 (hg19) VCF-style: chr5-7895872-A-G.
Other names: c.1583A>G, p.Asn528Ser (NM_001364440.2, NM_001364441.2, NM_001364442.2 and 1 more transcripts); short protein forms N528S.
Identifiers: ClinVar variation 2141220 (VCV002141220.4), dbSNP rs543608145, ClinGen allele CA359159223.
Genomic context (GRCh38, chr5:7,895,759, plus strand): 5'-CTTTCATACTTACCACATTTGATGTAATATTTCAGATATCCATCTCTCCTCGAACAACAA[A>G]TTCTTTCCACTTACCAGATGACCCCTCAATCCCCATCATAATGGTGGGTCCAGGAACCGG-3'
Protein context (NP_002445.2, residues 518-538): PKISISPRTT[Asn528Ser]SFHLPDDPSI